The following is an entry in ClinVar:

ClinVar aggregate classification (germline): Conflicting classifications of pathogenicity. Review status: criteria provided, conflicting classifications (1 of 4 stars). 6 submissions from 4 submitters: Uncertain significance (5); Likely benign (1). Last evaluated 2024-11-24.

Conditions:
Intellectual developmental disorder with epilepsy, behavioral abnormalities, and coarse facies. Identifiers: MedGen C5436646, MONDO:0033572, OMIM 619031.
Myopathy, epilepsy, and progressive cerebral atrophy. Identifiers: MedGen C5436652, MONDO:0033619, OMIM 619036.
Inborn genetic diseases. Identifiers: MedGen C0950123, MeSH D030342.
Congenital myasthenic syndrome 15. Also called: Myasthenic syndrome, congenital, 15, without tubular aggregates. Identifiers: Orphanet 353327, Orphanet 590, MedGen C4015596, MONDO:0014542, OMIM 616227.

Allele frequency attached by ClinVar (database versions not stated): ExAC 0.00002; gnomAD 0.00002; gnomAD exomes 0.00002; TOPMed 0.00002.
gnomAD v4.1: 32 of 1,613,952 alleles (0.002%); highest among the groups gnomAD compares: Non-Finnish European, 0.0024%; no homozygotes.

Submissions (6):

Ambry Genetics
Classification: Likely benign for Inborn genetic diseases. Last evaluated: 2024-11-24. Review status: criteria provided, single submitter. Criteria: Ambry Variant Classification Scheme 2023. Collection method: clinical testing. Allele origin: germline.

Genome-Nilou Lab
Classification: Uncertain significance for Congenital myasthenic syndrome 15. Last evaluated: 2023-04-11. Review status: criteria provided, single submitter. Criteria: ACMG Guidelines, 2015. Collection method: clinical testing. Allele origin: germline. Affected: no.

Genome-Nilou Lab
Classification: Uncertain significance for Intellectual developmental disorder with epilepsy, behavioral abnormalities, and coarse facies. Last evaluated: 2023-04-11. Review status: criteria provided, single submitter. Criteria: ACMG Guidelines, 2015. Collection method: clinical testing. Allele origin: germline. Affected: no.

Genome-Nilou Lab
Classification: Uncertain significance for Myopathy, epilepsy, and progressive cerebral atrophy. Last evaluated: 2023-04-11. Review status: criteria provided, single submitter. Criteria: ACMG Guidelines, 2015. Collection method: clinical testing. Allele origin: germline. Affected: no.

Labcorp Genetics (formerly Invitae), Labcorp
Classification: Uncertain significance for Congenital myasthenic syndrome 15. Last evaluated: 2022-10-05. Review status: criteria provided, single submitter. Criteria: Invitae Variant Classification Sherloc (09022015). Collection method: clinical testing. Allele origin: germline.
Comment: This sequence change replaces valine, which is neutral and non-polar, with isoleucine, which is neutral and non-polar, at codon 6 of the ALG14 protein (p.Val6Ile). This variant is present in population databases (rs756921157, gnomAD 0.005%). This variant has not been reported in the literature in individuals affected with ALG14-related conditions. ClinVar contains an entry for this variant (Variation ID: 1356542). Algorithms developed to predict the effect of missense changes on protein structure and function output the following: SIFT: "Tolerated"; PolyPhen-2: "Benign"; Align-GVGD: "Class C0". The isoleucine amino acid residue is found in multiple mammalian species, which suggests that this missense change does not adversely affect protein function. In summary, the available evidence is currently insufficient to determine the role of this variant in disease. Therefore, it has been classified as a Variant of Uncertain Significance.

GeneDx
Classification: Uncertain significance. Last evaluated: 2022-01-24. Review status: criteria provided, single submitter. Criteria: GeneDx Variant Classification Process June 2021. Collection method: clinical testing. Allele origin: germline. Affected: yes.
Comment: Not observed at significant frequency in large population cohorts (gnomAD); In silico analysis supports that this missense variant does not alter protein structure/function; Has not been previously published as pathogenic or benign to our knowledge

NM_144988.4(ALG14):c.16G>A (p.Val6Ile)

Genes: ALG14 (ALG14 UDP-N-acetylglucosaminyltransferase subunit; minus strand), LOC129930989 (ATAC-STARR-seq lymphoblastoid active region 1353; plus strand). Cytogenetic location: 1p21.3.
Variant type: single nucleotide variant.
Coding change: c.16G>A on transcript NM_144988.4 (MANE Select); coding-DNA position 16, G replaced by A.
Protein change: p.Val6Ile; replaces valine 6 with isoleucine.
Molecular consequence: missense variant. On other transcripts: non-coding transcript variant (1).
Genome position (GRCh38, 1-based): chr1:95,072,883, C>T on the plus strand (G>A on the coding strand, the complement: ALG14 is on the minus strand). VCF-style: chr1-95072883-C-T. GRCh37 (hg19) VCF-style: chr1-95538439-C-T.
Other names: c.16G>A, p.Val6Ile (NM_001305242.2); short protein forms V6I.
Identifiers: ClinVar variation 1356542 (VCV001356542.8), dbSNP rs756921157, ClinGen allele CA961912.
Genomic context (GRCh38, chr1:95,072,883, plus strand): 5'-GCACTACCCATATTCGCAGGATTAGGAAAACCGCCACAGCTCCTGCGGCCGCAGCTAGAA[C>T]GAGAACGCACACCATGCAGAGAAACGGCGCATGCGTCCAACTTCCGGGGACCAGCCGCTG-3'
Protein context (NP_659425.1, residues 1-16): MVCVL[Val6Ile]LAAAAGAVAV